The following is an entry in ClinVar:

ClinVar aggregate classification (germline): Uncertain significance (1 of 4 stars; one submission).

Allele frequency attached by ClinVar (database versions not stated): gnomAD 0.00001; TOPMed 0.00001.
gnomAD v4.1: 4 of 1,612,420 alleles (0.00025%); highest among the groups gnomAD compares: African/African-American, 0.0013%; no homozygotes.

Submission:

Labcorp Genetics (formerly Invitae), Labcorp
Classification: Uncertain significance. Last evaluated: 2022-03-15. Review status: criteria provided, single submitter. Criteria: Invitae Variant Classification Sherloc (09022015). Collection method: clinical testing. Allele origin: germline.
Comment: This variant has not been reported in the literature in individuals affected with FAT2-related conditions. This variant is not present in population databases (gnomAD no frequency). This sequence change falls in intron 2 of the FAT2 gene. It does not directly change the encoded amino acid sequence of the FAT2 protein. It affects a nucleotide within the consensus splice site. Variants that disrupt the consensus splice site are a relatively common cause of aberrant splicing (PMID: 17576681, 9536098). Algorithms developed to predict the effect of sequence changes on RNA splicing suggest that this variant is not likely to affect RNA splicing. In summary, the available evidence is currently insufficient to determine the role of this variant in disease. Therefore, it has been classified as a Variant of Uncertain Significance.

Literature cited by the submitters: PubMed 17576681; PubMed 9536098.

NM_001447.3(FAT2):c.3574+6G>T

Gene: FAT2 (FAT atypical cadherin 2; minus strand). Cytogenetic location: 5q33.1.
Variant type: single nucleotide variant.
Coding change: c.3574+6G>T on transcript NM_001447.3 (MANE Select); 6 bases into the intron after coding-DNA position 3574, G replaced by T.
Molecular consequence: intron variant.
Genome position (GRCh38, 1-based): chr5:151,563,319, C>A on the plus strand (G>T on the coding strand, the complement: FAT2 is on the minus strand). VCF-style: chr5-151563319-C-A. GRCh37 (hg19) VCF-style: chr5-150942880-C-A.
Identifiers: ClinVar variation 2112389 (VCV002112389.4), dbSNP rs1315269972, ClinGen allele CA805704879.